The following is an entry in ClinVar:

NM_000321.3(RB1):c.36del (p.Ala13fs)

Gene: RB1 (RB transcriptional corepressor 1; plus strand). Cytogenetic location: 13q14.2.
Variant type: Deletion.
Coding change: c.36del on transcript NM_000321.3 (MANE Select); coding-DNA position 36, one base deleted (C; older notation c.36delC).
Protein change: p.Ala13fs; shifts the reading frame from alanine 13.
Molecular consequence: frameshift variant.
Genome position (GRCh38, 1-based): chr13:48,303,948, C deleted; the last of 2 consecutive C bases (chr13:48,303,947-48,303,948); deleting either gives the same sequence. VCF-style (leftmost placement, unchanged base first): chr13-48303946-AC-A. GRCh37 (hg19) VCF-style: chr13-48878082-AC-A.
Other names: c.36delC (NM_000321.2); short protein forms A13fs.
Identifiers: ClinVar variation 580945 (VCV000580945.7), dbSNP rs1566174065, ClinGen allele CA891844033.

ClinVar aggregate classification (germline): Pathogenic. Review status: criteria provided, multiple submitters, no conflicts (2 of 4 stars). 2 submissions from 2 submitters: Pathogenic (2). Last evaluated 2026-05-29.

Conditions:
Retinoblastoma (RB1). Also called: RETINOBLASTOMA, SOMATIC. Identifiers: Orphanet 790, MedGen C0035335, MeSH D012175, MONDO:0008380, OMIM 180200, HP:0009919. Disease mechanism: loss of function. Inheritance: Both sporadic and heritable forms are tested..

Submissions (2):

Diller/Parad Lab, Dana-Farber/Harvard Cancer Center
Classification: Pathogenic for Retinoblastoma. Last evaluated: 2026-05-29. Review status: criteria provided, single submitter. Criteria: ACMG Guidelines, 2015. Collection method: research. Allele origin: germline. Affected: yes.
Comment: It has been classified as Pathogenic using Richards et al (PMID:25741868) based on the following evidence codes: PM2, PVS1.

Labcorp Genetics (formerly Invitae), Labcorp
Classification: Pathogenic for Retinoblastoma. Last evaluated: 2018-05-30. Review status: criteria provided, single submitter. Criteria: Invitae Variant Classification Sherloc (09022015). Collection method: clinical testing. Allele origin: germline.
Comment: Loss-of-function variants in RB1 are known to be pathogenic (PMID: 17096365). For these reasons, this variant has been classified as Pathogenic. This variant has not been reported in the literature in individuals with RB1-related disease. This sequence change creates a premature translational stop signal (p.Ala13Profs*52) in the RB1 gene. It is expected to result in an absent or disrupted protein product. While this variant is not present in population databases, the frequency information is unreliable, as metrics indicate poor data quality at this position in the ExAC database.

Literature cited by the submitters: PubMed 17096365 (cited by Labcorp Genetics (formerly Invitae), Labcorp).